The following is an entry in ClinVar:

ClinVar aggregate classification (germline): Conflicting classifications of pathogenicity. Review status: criteria provided, conflicting classifications (1 of 4 stars). 2 submissions from 2 submitters: Uncertain significance (1); Likely benign (1). Last evaluated 2025-07-01.

Conditions:
Inborn genetic diseases. Identifiers: MedGen C0950123, MeSH D030342.
Imerslund-Grasbeck syndrome. Also called: Imerslund-Gräsbeck syndrome; ENTEROCYTE COBALAMIN MALABSORPTION; ENTEROCYTE INTRINSIC FACTOR RECEPTOR, DEFECT OF; PERNICIOUS ANEMIA, JUVENILE, DUE TO SELECTIVE INTESTINAL MALABSORPTION OF VITAMIN B12, WITH PROTEINURIA; Megaloblastic anemia due to inborn errors of metabolism. Identifiers: Orphanet 35858, MedGen C4551825, MONDO:0009853.

gnomAD v4.1: 36 of 1,612,610 alleles (0.0022%); highest among the groups gnomAD compares: East Asian, 0.0089%; no homozygotes.

Submissions (2):

Labcorp Genetics (formerly Invitae), Labcorp
Classification: Uncertain significance for Imerslund-Grasbeck syndrome. Last evaluated: 2025-07-01. Review status: criteria provided, single submitter. Criteria: Invitae Variant Classification Sherloc (09022015). Collection method: clinical testing. Allele origin: germline.
Comment: This sequence change replaces valine, which is neutral and non-polar, with methionine, which is neutral and non-polar, at codon 3596 of the CUBN protein (p.Val3596Met). This variant is present in population databases (rs767534381, gnomAD 0.02%). This variant has not been reported in the literature in individuals affected with CUBN-related conditions. Invitae Evidence Modeling of protein sequence and biophysical properties (such as structural, functional, and spatial information, amino acid conservation, physicochemical variation, residue mobility, and thermodynamic stability) indicates that this missense variant is not expected to disrupt CUBN protein function with a negative predictive value of 80%. In summary, the available evidence is currently insufficient to determine the role of this variant in disease. Therefore, it has been classified as a Variant of Uncertain Significance.

Ambry Genetics
Classification: Likely benign for Inborn genetic diseases. Last evaluated: 2025-03-31. Review status: criteria provided, single submitter. Criteria: Ambry Variant Classification Scheme 2023. Collection method: clinical testing. Allele origin: germline.

NM_001081.4(CUBN):c.10786G>A (p.Val3596Met)

Gene: CUBN (cubilin; minus strand). Cytogenetic location: 10p13.
Variant type: single nucleotide variant.
Coding change: c.10786G>A on transcript NM_001081.4 (MANE Select); coding-DNA position 10786, G replaced by A.
Protein change: p.Val3596Met; replaces valine 3596 with methionine.
Molecular consequence: missense variant.
Genome position (GRCh38, 1-based): chr10:16,825,061, C>T on the plus strand (G>A on the coding strand, the complement: CUBN is on the minus strand). VCF-style: chr10-16825061-C-T. GRCh37 (hg19) VCF-style: chr10-16867060-C-T.
Other names: short protein forms V3596M.
Identifiers: ClinVar variation 4008274 (VCV004008274.2).